The following is an entry in ClinVar:

ClinVar aggregate classification (germline): Uncertain significance (1 of 4 stars; one submission).

Allele frequency attached by ClinVar (database versions not stated): gnomAD exomes below 0.00001; ExAC 0.00001.
gnomAD v4.1: 1 of 1,613,454 alleles (0.000062%); highest among the groups gnomAD compares: Non-Finnish European, 0.000085%; no homozygotes.

Submission:

Labcorp Genetics (formerly Invitae), Labcorp
Classification: Uncertain significance. Last evaluated: 2025-03-31. Review status: criteria provided, single submitter. Criteria: Invitae Variant Classification Sherloc (09022015). Collection method: clinical testing. Allele origin: germline.
Comment: This sequence change falls in intron 6 of the SYT2 gene. It does not directly change the encoded amino acid sequence of the SYT2 protein. It affects a nucleotide within the consensus splice site. This variant is present in population databases (rs778072876, gnomAD 0.0009%). This variant has not been reported in the literature in individuals affected with SYT2-related conditions. ClinVar contains an entry for this variant (Variation ID: 2973230). Variants that disrupt the consensus splice site are a relatively common cause of aberrant splicing (PMID: 17576681, 9536098). Algorithms developed to predict the effect of sequence changes on RNA splicing suggest that this variant is not likely to affect RNA splicing. In summary, the available evidence is currently insufficient to determine the role of this variant in disease. Therefore, it has been classified as a Variant of Uncertain Significance.

Literature cited by the submitters: PubMed 17576681; PubMed 9536098.

NM_177402.5(SYT2):c.801+5G>A

Gene: SYT2 (synaptotagmin 2; minus strand). Cytogenetic location: 1q32.1.
Variant type: single nucleotide variant.
Coding change: c.801+5G>A on transcript NM_177402.5 (MANE Select); 5 bases into the intron after coding-DNA position 801, G replaced by A.
Molecular consequence: intron variant.
Genome position (GRCh38, 1-based): chr1:202,601,885, C>T on the plus strand (G>A on the coding strand, the complement: SYT2 is on the minus strand). VCF-style: chr1-202601885-C-T. GRCh37 (hg19) VCF-style: chr1-202571013-C-T.
Other names: c.801+5G>A (NM_001136504.1).
Identifiers: ClinVar variation 2973230 (VCV002973230.3), dbSNP rs778072876, ClinGen allele CA1333695.